The following is an entry in ClinVar:

ClinVar aggregate classification (germline): Pathogenic. Review status: reviewed by expert panel (3 of 4 stars). 6 submissions from 6 submitters: Pathogenic (1). 5 of the submissions do not count toward it. Last evaluated 2024-02-18.

Conditions:
RPE65-related disorder. Also called: RPE65-related condition; RPE65-related disorders. Identifiers: MedGen CN239301.
RPE65-related recessive retinopathy. Also called: Recessive RPE65 retinopathy. Identifiers: MedGen CN305526, MONDO:0100368.
Retinitis pigmentosa 20 (RP20). Identifiers: Orphanet 791, MedGen C3151086, MONDO:0013425, OMIM 613794.
Leber congenital amaurosis 2 (LCA2). Also called: AMAUROSIS CONGENITA OF LEBER II; Autosomal Recessive RPE65-Related Retinal Degeneration. Identifiers: Orphanet 65, MedGen C1859844, MONDO:0008765, OMIM 204100. Disease mechanism: loss of function.
Leber congenital amaurosis (LCA). Also called: Leber's amaurosis. Identifiers: Orphanet 65, MedGen C0339527, MeSH D057130, MONDO:0018998.

Allele frequency attached by ClinVar (database versions not stated): gnomAD 0.00003.
gnomAD v4.1: 4 of 1,614,020 alleles (0.00025%); highest among the groups gnomAD compares: African/African-American, 0.0053%; no homozygotes.

Submissions (6):

ClinGen Leber Congenital Amaurosis/early Onset Retinal Dystrophy Variant Curation Expert Panel, ClinGen
Classification: Pathogenic for RPE65-related recessive retinopathy. Last evaluated: 2024-02-18. Review status: reviewed by expert panel. Criteria: ClinGen LCAeoRD ACMG Specifications RPE65 V1.0.0. Collection method: curation. Allele origin: germline. Inheritance: Autosomal recessive inheritance.
Comment: NM_000329.3(RPE65):c.331C>T is a missense variant causing substitution of proline with serine at position 111. This variant is present in gnomAD v.2.1.1 at a GrpMax allele frequency of 0.00003249, with 4 alleles / 41440 total alleles in the African/African American population, which is lower than the ClinGen LCA / eoRD VCEP PM2_Supporting threshold of <0.0002 (PM2_Supporting). The computational predictor REVEL gives a score of 0.911, which is above the ClinGen LCA / eoRD VCEP threshold of >= 0.773 and predicts a damaging effect on RPE65 function (PP3_Moderate). This variant is located within a well-established functional domain (residues 107-125, PMID: 36265895) required for proper localization of the RPE65 protein to the ER membrane (PM1). This variant has been reported in at least 1 proband with early-onset severe retinal dystrophy who was homozygous for the variant (0.5, PMID: 34492281). This variant has also been reported in at least 2 probands with early-onset severe retinal dystrophy who were compound heterozygous with either the NM_000329.2:c.11+5G>A or NM_000329.2:c.1451G>A (p.Gly484Asp) variants confirmed in trans (2 pts, PMIDs: 34492281), which were previously classified as pathogenic or likely pathogenic by the ClinGen LCA / eoRD VCEP (2.5 total points, PM3_Strong). At least one proband harboring this variant exhibits a phenotype including diagnosis with Leber congenital amaurosis (0.5 pts) with onset before age 1 year (1 pt), reduced ERG responses from rods (0.5 pts) and cones (1 pt), salt and pepper pigmentation of the fundus (0.5 pts), visual fields decreased (1 pt), visual acuity reduced (1 pt), and night blindness (0.5 pts), which together are specific for RPE65-related recessive retinopathy (6 points, PMID: 34492281, PP4). The variant has been reported to segregate with childhood-onset severe retinal dystrophy through the proband plus 1 similarly affected relative, with the variant present in the homozygous state (PP1; PMID: 34492281). In summary, this variant meets the criteria to be classified as pathogenic for RPE65-related recessive retinopathy based on the ACMG/AMP criteria applied, as specified by the ClinGen LCA / eoRD VCEP: PM1, PM2_Supporting, PM3_Strong, PP1, PP3_Moderate, and PP4. (VCEP specifications version 1.0.0; date of approval 09/21/2023).

Labcorp Genetics (formerly Invitae), Labcorp
Classification: Pathogenic for Leber congenital amaurosis 2; Retinitis pigmentosa 20. Last evaluated: 2025-09-01. Review status: criteria provided, single submitter. Criteria: Invitae Variant Classification Sherloc (09022015). Collection method: clinical testing. Allele origin: germline. Not counted in ClinVar's aggregate classification.
Comment: This sequence change replaces proline, which is neutral and non-polar, with serine, which is neutral and polar, at codon 111 of the RPE65 protein (p.Pro111Ser). This variant is present in population databases (no rsID available, gnomAD 0.01%). This missense change has been observed in individual(s) with autosomal recessive RPE65-related conditions (PMID: 34492281). In at least one individual the data is consistent with being in trans (on the opposite chromosome) from a pathogenic variant. ClinVar contains an entry for this variant (Variation ID: 281715). Invitae Evidence Modeling of protein sequence and biophysical properties (such as structural, functional, and spatial information, amino acid conservation, physicochemical variation, residue mobility, and thermodynamic stability) has been performed for this missense variant. However, the output from this modeling did not meet the statistical confidence thresholds required to predict the impact of this variant on RPE65 protein function. For these reasons, this variant has been classified as Pathogenic.

Natera, Inc.
Classification: Likely pathogenic for Leber congenital amaurosis. Last evaluated: 2025-04-24. Review status: criteria provided, single submitter. Criteria: Natera Variant Classification Schema (03/2026). Collection method: clinical testing. Allele origin: germline. Not counted in ClinVar's aggregate classification.
Comment: The c.331C>T variant in RPE65 is a missense variant predicted to cause substitution of proline to serine at amino acid 111. This variant is rare in the general population with a frequency below the threshold expected for the associated phenotype(s). This variant has been observed in one or more individuals affected with the associated recessive disease, as either homozygous or compound heterozygous with a second variant (PMID: 34492281). This variant has been observed to segregate in affected family members (PMID: 34492281). Computational prediction algorithms indicate this variant is likely to affect gene or protein function. Given the available evidence, this variant is classified as Likely Pathogenic.

Baylor Genetics
Classification: Likely pathogenic for Leber congenital amaurosis 2. Last evaluated: 2024-02-05. Review status: criteria provided, single submitter. Criteria: ACMG Guidelines, 2015. Collection method: clinical testing. Allele origin: unknown. Not counted in ClinVar's aggregate classification.

Blueprint Genetics
Classification: Pathogenic for RPE65-related disorders. Last evaluated: 2021-09-15. Review status: criteria provided, single submitter. Criteria: ACMG Guidelines, 2015. Collection method: clinical testing. Allele origin: germline. Affected: yes. Observed: 2 variant alleles. Not counted in ClinVar's aggregate classification.

Eurofins Ntd Llc (ga)
Classification: Uncertain significance. Last evaluated: 2015-07-07. Review status: criteria provided, single submitter. Criteria: EGL Classification Definitions 2015. Collection method: clinical testing. Allele origin: germline. Observed: 1 variant allele, 1 heterozygote. Not counted in ClinVar's aggregate classification.

Literature cited by the submitters: PubMed 34492281 (cited by Labcorp Genetics (formerly Invitae), Labcorp and Natera, Inc.).

NM_000329.3(RPE65):c.331C>T (p.Pro111Ser)

Gene: RPE65 (retinoid isomerohydrolase RPE65; minus strand). Cytogenetic location: 1p31.3.
Variant type: single nucleotide variant.
Coding change: c.331C>T on transcript NM_000329.3 (MANE Select); coding-DNA position 331, C replaced by T.
Protein change: p.Pro111Ser; replaces proline 111 with serine.
Molecular consequence: missense variant.
Genome position (GRCh38, 1-based): chr1:68,444,798, G>A on the plus strand (C>T on the coding strand, the complement: RPE65 is on the minus strand). VCF-style: chr1-68444798-G-A. GRCh37 (hg19) VCF-style: chr1-68910481-G-A.
Other names: NM_000329.3(RPE65):c.331C>T; p.Pro111Ser; c.331C>T (NM_000329.2); short protein forms P111S.
Identifiers: ClinVar variation 281715 (VCV000281715.12), dbSNP rs886042220, ClinGen allele CA10603953.